The following is an entry in ClinVar:

ClinVar aggregate classification (germline): Uncertain significance. Review status: criteria provided, multiple submitters, no conflicts (2 of 4 stars). 2 submissions from 2 submitters: Uncertain significance (2). Last evaluated 2023-09-27.

Conditions:
Hereditary cancer-predisposing syndrome. Also called: Tumor predisposition; Neoplastic Syndromes, Hereditary; Hereditary Cancer Syndrome; Hereditary neoplastic syndrome. Identifiers: Orphanet 140162, MedGen C0027672, MeSH D009386, MONDO:0015356.
Multiple endocrine neoplasia type 4. Also called: MULTIPLE ENDOCRINE NEOPLASIA, TYPE IV. Identifiers: Orphanet 276152, MedGen C1970712, MONDO:0012552, OMIM 610755.

Allele frequency attached by ClinVar (database versions not stated): gnomAD exomes 0.00001; ExAC 0.00002.

Submissions (2):

Ambry Genetics
Classification: Uncertain significance for Hereditary cancer-predisposing syndrome. Last evaluated: 2023-09-27. Review status: criteria provided, single submitter. Criteria: Ambry Variant Classification Scheme 2023. Collection method: clinical testing. Allele origin: germline.
Comment: The p.D44G variant (also known as c.131A>G), located in coding exon 1 of the CDKN1B gene, results from an A to G substitution at nucleotide position 131. The aspartic acid at codon 44 is replaced by glycine, an amino acid with similar properties. This amino acid position is conserved. In addition, the in silico prediction for this alteration is inconclusive. Since supporting evidence is limited at this time, the clinical significance of this alteration remains unclear.

Labcorp Genetics (formerly Invitae), Labcorp
Classification: Uncertain significance for Multiple endocrine neoplasia type 4. Last evaluated: 2023-06-22. Review status: criteria provided, single submitter. Criteria: Invitae Variant Classification Sherloc (09022015). Collection method: clinical testing. Allele origin: germline.
Comment: In summary, the available evidence is currently insufficient to determine the role of this variant in disease. Therefore, it has been classified as a Variant of Uncertain Significance. An algorithm developed to predict the effect of missense changes on protein structure and function (PolyPhen-2) suggests that this variant is likely to be disruptive. ClinVar contains an entry for this variant (Variation ID: 404272). This variant has not been reported in the literature in individuals affected with CDKN1B-related conditions. This variant is not present in population databases (gnomAD no frequency). This sequence change replaces aspartic acid, which is acidic and polar, with glycine, which is neutral and non-polar, at codon 44 of the CDKN1B protein (p.Asp44Gly).

NM_004064.5(CDKN1B):c.131A>G (p.Asp44Gly)

Gene: CDKN1B (cyclin dependent kinase inhibitor 1B; plus strand). Cytogenetic location: 12p13.1.
Variant type: single nucleotide variant.
Coding change: c.131A>G on transcript NM_004064.5 (MANE Select); coding-DNA position 131, A replaced by G.
Protein change: p.Asp44Gly; replaces aspartic acid 44 with glycine.
Molecular consequence: missense variant.
Genome position (GRCh38, 1-based): chr12:12,717,970, A>G. VCF-style: chr12-12717970-A-G. GRCh37 (hg19) VCF-style: chr12-12870904-A-G.
Other names: c.131A>G (NM_004064.3); short protein forms D44G.
Identifiers: ClinVar variation 404272 (VCV000404272.9), dbSNP rs748854742, ClinGen allele CA6457389.